The following is an entry in ClinVar:

NM_052844.4(DYNC2I2):c.1193_1194del (p.Val398fs)

Genes: DYNC2I2 (dynein 2 intermediate chain 2; minus strand), LOC126860772 (CDK7 strongly-dependent group 2 enhancer GRCh37_chr9:131396972-131398171; plus strand). Cytogenetic location: 9q34.11.
Variant type: Microsatellite.
Coding change: c.1193_1194del on transcript NM_052844.4 (MANE Select); coding-DNA positions 1193 to 1194, 2 bases deleted (TG; older notation c.1193_1194delTG).
Protein change: p.Val398fs; shifts the reading frame from valine 398.
Molecular consequence: frameshift variant.
Genome position (GRCh38, 1-based): chr9:128,634,709-128,634,710, CA deleted on the plus strand (TG on the coding strand, the reverse complement: DYNC2I2 is on the minus strand); deleting any 2 consecutive bases within chr9:128,634,709-128,634,712 gives the same sequence; the c. name uses the placement nearest the transcript's 3' end. VCF-style (leftmost placement, unchanged base first): chr9-128634708-TCA-T. GRCh37 (hg19) VCF-style: chr9-131396987-TCA-T.
Other names: short protein forms V398fs.
Identifiers: ClinVar variation 4532118 (VCV004532118.3).

ClinVar aggregate classification (germline): Pathogenic/Likely pathogenic. Review status: criteria provided, multiple submitters, no conflicts (2 of 4 stars). 2 submissions from 2 submitters: Pathogenic (1); Likely pathogenic (1). Last evaluated 2025-07-24.

Conditions:
Short-rib thoracic dysplasia 11 with or without polydactyly (SRTD11). Also called: SHORT-RIB THORACIC DYSPLASIA 11 WITHOUT POLYDACTYLY. Identifiers: Orphanet 474, Orphanet 93271, MedGen C3810200, MONDO:0014287, OMIM 615633.

Submissions (2):

Victorian Clinical Genetics Services, Murdoch Childrens Research Institute
Classification: Pathogenic for Short-rib thoracic dysplasia 11 with or without polydactyly. Last evaluated: 2025-07-24. Review status: criteria provided, single submitter. Criteria: ACMG Guidelines, 2015. Collection method: clinical testing. Allele origin: germline. Affected: no.
Comment: This variant is classified as Pathogenic. Evidence in support of pathogenic classification: Variant is predicted to cause nonsense-mediated decay (NMD) and loss of protein (premature termination codon is located at least 54 nucleotides upstream of the final exon-exon junction); Variant is present in gnomAD <0.01 for a recessive condition (v4: 3 heterozygote(s), 0 homozygote(s)); Other NMD-predicted variant(s) comparable to the one identified in this case have very strong previous evidence for pathogenicity (DECIPHER). Additional information: This variant is heterozygous; This gene is associated with autosomal recessive disease; This variant has no previous evidence of pathogenicity; Loss of function is a known mechanism of disease in this gene and is associated with short-rib thoracic dysplasia 11 with or without polydactyly (MIM#615633).

Juno Genomics, Hangzhou Juno Genomics, Inc
Classification: Likely pathogenic for Short-rib thoracic dysplasia 11 with or without polydactyly. Review status: criteria provided, single submitter. Criteria: ACMG Guidelines, 2015. Collection method: clinical testing. Allele origin: germline.
Comment: Absent from controls (or at extremely low frequency if recessive) in Genome Aggregation Database.;Null variant in a gene where loss of function (LOF) is a known mechanism of disease.